The following is an entry in ClinVar:

NC_000022.11:g.21222187T>C

Gene: GGT2 (gamma-glutamyltransferase 2; minus strand). Cytogenetic location: 22q11.21.
Variant type: single nucleotide variant.
Genome position: GRCh38 VCF-style: chr22-21222187-T-C. GRCh37 (hg19) VCF-style: chr22-21576476-T-C.
Identifiers: ClinVar variation 2652941 (VCV002652941.23), dbSNP rs1555972072, ClinGen allele CA513644634.

ClinVar aggregate classification (germline): Likely benign (1 of 4 stars; one submission).

Submission:

CeGaT Center for Human Genetics Tuebingen
Classification: Likely benign. Last evaluated: 2023-07-01. Review status: criteria provided, single submitter. Criteria: CeGaT Center For Human Genetics Tuebingen Variant Classification Criteria Version 2. Collection method: clinical testing. Allele origin: germline. Affected: yes. Observed: 1 variant allele.
Comment: GGT2P: BP4, BP7